The following is an entry in ClinVar:

NM_015107.3(PHF8):c.2334G>A (p.Arg778=)

Gene: PHF8 (PHD finger protein 8; minus strand). Cytogenetic location: Xp11.22.
Variant type: single nucleotide variant.
Coding change: c.2334G>A on transcript NM_015107.3 (MANE Select); coding-DNA position 2334, G replaced by A.
Protein change: p.Arg778=; no amino-acid change (arginine 778 retained).
Molecular consequence: synonymous variant.
Genome position (GRCh38, 1-based): chrX:53,985,023, C>T on the plus strand (G>A on the coding strand, the complement: PHF8 is on the minus strand). VCF-style: chrX-53985023-C-T. GRCh37 (hg19) VCF-style: chrX-54011456-C-T.
Other names: c.2442G>A, p.Arg814= (NM_001184896.1); c.2031G>A, p.Arg677= (NM_001184897.2); c.2283G>A, p.Arg761= (NM_001184898.2).
Identifiers: ClinVar variation 735196 (VCV000735196.21), dbSNP rs146772565, ClinGen allele CA10423306.

ClinVar aggregate classification (germline): Likely benign. Review status: criteria provided, multiple submitters, no conflicts (2 of 4 stars). 2 submissions from 2 submitters: Likely benign (2). Last evaluated 2024-06-01.

Allele frequency attached by ClinVar (database versions not stated): ExAC 0.00016; gnomAD 0.00019; gnomAD exomes 0.00020 and 0.00047; TOPMed 0.00027; ESP Exome Variant Server 0.00028.
gnomAD v4.1: 535 of 1,209,381 alleles (0.044%); highest among the groups gnomAD compares: Non-Finnish European, 0.055%; no homozygotes.

Submissions (2):

CeGaT Center for Human Genetics Tuebingen
Classification: Likely benign. Last evaluated: 2024-06-01. Review status: criteria provided, single submitter. Criteria: CeGaT Center For Human Genetics Tuebingen Variant Classification Criteria Version 2. Collection method: clinical testing. Allele origin: germline. Affected: yes. Observed: 1 variant allele.
Comment: PHF8: BP4, BP7, BS2

Labcorp Genetics (formerly Invitae), Labcorp
Classification: Likely benign. Last evaluated: 2018-10-29. Review status: criteria provided, single submitter. Criteria: Invitae Variant Classification Sherloc (09022015). Collection method: clinical testing. Allele origin: germline.